The following is an entry in ClinVar:

ClinVar aggregate classification (germline): Uncertain significance. Review status: criteria provided, multiple submitters, no conflicts (2 of 4 stars). 3 submissions from 3 submitters: Uncertain significance (2). 1 of the submissions does not count toward it. Last evaluated 2024-01-09.

Conditions:
Inborn genetic diseases. Identifiers: MedGen C0950123, MeSH D030342.
AMPD2-related disorder. Also called: AMPD2-related condition.

Allele frequency attached by ClinVar (database versions not stated): ExAC 0.00001; gnomAD exomes 0.00001; gnomAD 0.00004; ESP Exome Variant Server 0.00008; TOPMed 0.00008.

Submissions (3):

Ambry Genetics
Classification: Uncertain significance for Inborn genetic diseases. Last evaluated: 2024-01-09. Review status: criteria provided, single submitter. Criteria: Ambry Variant Classification Scheme 2023. Collection method: clinical testing. Allele origin: germline.

GeneDx
Classification: Uncertain significance. Last evaluated: 2019-11-04. Review status: criteria provided, single submitter. Criteria: GeneDx Variant Classification Process June 2021. Collection method: clinical testing. Allele origin: germline. Affected: yes.
Comment: Not observed at a significant frequency in large population cohorts (Lek et al., 2016); In silico analysis, which includes protein predictors and evolutionary conservation, supports that this variant does not alter protein structure/function; Has not been previously published as pathogenic or benign to our knowledge

PreventionGenetics, part of Exact Sciences
Classification: Uncertain significance for AMPD2-related condition. Last evaluated: 2024-03-11. Review status: no assertion criteria provided. Collection method: clinical testing. Allele origin: germline. Not counted in ClinVar's aggregate classification.
Comment: The AMPD2 c.2564C>T variant is predicted to result in the amino acid substitution p.Thr855Met. To our knowledge, this variant has not been reported in the literature. This variant is reported in 0.0033% of alleles in individuals of South Asian descent in gnomAD. At this time, the clinical significance of this variant is uncertain due to the absence of conclusive functional and genetic evidence.

NM_001368809.2(AMPD2):c.2402C>T (p.Thr801Met)

Gene: AMPD2 (adenosine monophosphate deaminase 2; plus strand). Cytogenetic location: 1p13.3.
Variant type: single nucleotide variant.
Coding change: c.2402C>T on transcript NM_001368809.2 (MANE Select); coding-DNA position 2402, C replaced by T.
Protein change: p.Thr801Met; replaces threonine 801 with methionine.
Molecular consequence: missense variant.
Genome position (GRCh38, 1-based): chr1:109,631,076, C>T. VCF-style: chr1-109631076-C-T. GRCh37 (hg19) VCF-style: chr1-110173698-C-T.
Other names: c.2564C>T (NM_001257360.1, NM_004037.6); c.2210C>T, p.Thr737Met (NM_001257361.2); c.2339C>T, p.Thr780Met (NM_001308170.1); c.2402C>T, p.Thr801Met (NM_004037.9); c.2321C>T, p.Thr774Met (NM_139156.4); short protein forms T737M, T774M, T780M, T801M.
Identifiers: ClinVar variation 1309847 (VCV001309847.4), dbSNP rs146351934, ClinGen allele CA993393.